The following is an entry in ClinVar:

ClinVar aggregate classification (germline): Uncertain significance (1 of 4 stars; one submission).

Allele frequency attached by ClinVar (database versions not stated): gnomAD 0.00001; ExAC 0.00002; gnomAD exomes 0.00001.
gnomAD v4.1: 6 of 1,612,462 alleles (0.00037%); highest among the groups gnomAD compares: Middle Eastern, 0.016%; no homozygotes.

Submission:

Labcorp Genetics (formerly Invitae), Labcorp
Classification: Uncertain significance. Last evaluated: 2024-04-17. Review status: criteria provided, single submitter. Criteria: Invitae Variant Classification Sherloc (09022015). Collection method: clinical testing. Allele origin: germline.
Comment: This sequence change replaces glutamine, which is neutral and polar, with arginine, which is basic and polar, at codon 599 of the TBCK protein (p.Gln599Arg). This variant is present in population databases (rs757565417, gnomAD 0.003%). This variant has not been reported in the literature in individuals affected with TBCK-related conditions. ClinVar contains an entry for this variant (Variation ID: 2080696). Advanced modeling of protein sequence and biophysical properties (such as structural, functional, and spatial information, amino acid conservation, physicochemical variation, residue mobility, and thermodynamic stability) performed at Invitae indicates that this missense variant is not expected to disrupt TBCK protein function with a negative predictive value of 80%. In summary, the available evidence is currently insufficient to determine the role of this variant in disease. Therefore, it has been classified as a Variant of Uncertain Significance.

NM_001163435.3(TBCK):c.1796A>G (p.Gln599Arg)

Gene: TBCK (TBC1 domain containing kinase; minus strand). Cytogenetic location: 4q24.
Variant type: single nucleotide variant.
Coding change: c.1796A>G on transcript NM_001163435.3 (MANE Select); coding-DNA position 1796, A replaced by G.
Protein change: p.Gln599Arg; replaces glutamine 599 with arginine.
Molecular consequence: missense variant.
Genome position (GRCh38, 1-based): chr4:106,212,814, T>C on the plus strand (A>G on the coding strand, the complement: TBCK is on the minus strand). VCF-style: chr4-106212814-T-C. GRCh37 (hg19) VCF-style: chr4-107133971-T-C.
Other names: c.1796A>G, p.Gln599Arg (NM_001163436.4); c.1679A>G, p.Gln560Arg (NM_001163437.3); c.1280A>G, p.Gln427Arg (NM_001290768.2); c.1607A>G, p.Gln536Arg (NM_033115.5); short protein forms Q427R, Q536R, Q599R, Q560R.
Identifiers: ClinVar variation 2080696 (VCV002080696.4), dbSNP rs757565417, ClinGen allele CA3034929.
Genomic context (GRCh38, chr4:106,212,814, plus strand): 5'-GGAATGAAACCAATCTCATTGAGATGATTACTCAGCTCTGGATCATGAAATGCAATCATC[T>C]GAGAGAAGACAGTCAGATACTCTGAAATTACAAAGTTTGAGACAATCATCATTTTTACAC-3'
Protein context (NP_001156907.2, residues 589-609): VIQEYLTVFS[Gln599Arg]MIAFHDPELS